The following is an entry in ClinVar:

NM_004304.5(ALK):c.439G>A (p.Glu147Lys)

Gene: ALK (ALK receptor tyrosine kinase; minus strand). Cytogenetic location: 2p23.1.
Variant type: single nucleotide variant.
Coding change: c.439G>A on transcript NM_004304.5 (MANE Select); coding-DNA position 439, G replaced by A.
Protein change: p.Glu147Lys; replaces glutamic acid 147 with lysine.
Molecular consequence: missense variant.
Genome position (GRCh38, 1-based): chr2:29,920,221, C>T on the plus strand (G>A on the coding strand, the complement: ALK is on the minus strand). VCF-style: chr2-29920221-C-T. GRCh37 (hg19) VCF-style: chr2-30143087-C-T.
Other names: short protein forms E147K.
Identifiers: ClinVar variation 1010866 (VCV001010866.12), dbSNP rs756273623, ClinGen allele CA1594972.

ClinVar aggregate classification (germline): Uncertain significance. Review status: criteria provided, multiple submitters, no conflicts (2 of 4 stars). 3 submissions from 3 submitters: Uncertain significance (3). Last evaluated 2025-08-18.

Conditions:
Hereditary cancer-predisposing syndrome. Also called: Tumor predisposition; Hereditary Cancer Syndrome; Neoplastic Syndromes, Hereditary; Hereditary neoplastic syndrome. Identifiers: Orphanet 140162, MedGen C0027672, MeSH D009386, MONDO:0015356.
Neuroblastoma, susceptibility to, 3. Also called: ALK-Related Neuroblastic Tumor Susceptibility. Identifiers: Orphanet 635, MedGen C2751681, MONDO:0013083, OMIM 613014.

Allele frequency attached by ClinVar (database versions not stated): gnomAD exomes below 0.00001 and 0.00001; ExAC 0.00003.
gnomAD v4.1: 5 of 1,612,526 alleles (0.00031%); highest among the groups gnomAD compares: South Asian, 0.0011%; no homozygotes.

Submissions (3):

Labcorp Genetics (formerly Invitae), Labcorp
Classification: Uncertain significance for Neuroblastoma, susceptibility to, 3. Last evaluated: 2025-08-18. Review status: criteria provided, single submitter. Criteria: Invitae Variant Classification Sherloc (09022015). Collection method: clinical testing. Allele origin: germline.
Comment: This sequence change replaces glutamic acid, which is acidic and polar, with lysine, which is basic and polar, at codon 147 of the ALK protein (p.Glu147Lys). This variant is present in population databases (rs756273623, gnomAD 0.003%). This variant has not been reported in the literature in individuals affected with ALK-related conditions. ClinVar contains an entry for this variant (Variation ID: 1010866). An algorithm developed to predict the effect of missense changes on protein structure and function (PolyPhen-2) suggests that this variant is likely to be disruptive. In summary, the available evidence is currently insufficient to determine the role of this variant in disease. Therefore, it has been classified as a Variant of Uncertain Significance.

Ambry Genetics
Classification: Uncertain significance for Hereditary cancer-predisposing syndrome. Last evaluated: 2024-10-17. Review status: criteria provided, single submitter. Criteria: Ambry Variant Classification Scheme 2023. Collection method: clinical testing. Allele origin: germline.
Comment: The p.E147K variant (also known as c.439G>A), located in coding exon 1 of the ALK gene, results from a G to A substitution at nucleotide position 439. The glutamic acid at codon 147 is replaced by lysine, an amino acid with similar properties. This amino acid position is conserved. In addition, this alteration is predicted to be deleterious by in silico analysis. Since supporting evidence is limited at this time, the clinical significance of this alteration remains unclear.

Baylor Genetics
Classification: Uncertain significance for Neuroblastoma, susceptibility to, 3. Last evaluated: 2024-02-27. Review status: criteria provided, single submitter. Criteria: ACMG Guidelines, 2015. Collection method: clinical testing. Allele origin: unknown.